The following is an entry in ClinVar:

ClinVar aggregate classification (germline): Pathogenic (1 of 4 stars; one submission).

Conditions:
Primary ciliary dyskinesia. Also called: Ciliary dyskinesia. Identifiers: Orphanet 244, MedGen C0008780, MONDO:0016575, HP:0012265.

Submission:

Labcorp Genetics (formerly Invitae), Labcorp
Classification: Pathogenic for Primary ciliary dyskinesia. Last evaluated: 2023-05-22. Review status: criteria provided, single submitter. Criteria: Invitae Variant Classification Sherloc (09022015). Collection method: clinical testing. Allele origin: germline.
Comment: For these reasons, this variant has been classified as Pathogenic. Advanced modeling of protein sequence and biophysical properties (such as structural, functional, and spatial information, amino acid conservation, physicochemical variation, residue mobility, and thermodynamic stability) has been performed at Invitae for this missense variant, however the output from this modeling did not meet the statistical confidence thresholds required to predict the impact of this variant on DNAH5 protein function. ClinVar contains an entry for this variant (Variation ID: 640838). This missense change has been observed in individual(s) with primary ciliary dyskinesia (Invitae). In at least one individual the data is consistent with being in trans (on the opposite chromosome) from a pathogenic variant. This variant is not present in population databases (gnomAD no frequency). This sequence change replaces proline, which is neutral and non-polar, with arginine, which is basic and polar, at codon 2662 of the DNAH5 protein (p.Pro2662Arg).

NM_001369.3(DNAH5):c.7985C>G (p.Pro2662Arg)

Gene: DNAH5 (dynein axonemal heavy chain 5; minus strand). Cytogenetic location: 5p15.2.
Variant type: single nucleotide variant.
Coding change: c.7985C>G on transcript NM_001369.3 (MANE Select); coding-DNA position 7985, C replaced by G.
Protein change: p.Pro2662Arg; replaces proline 2662 with arginine.
Molecular consequence: missense variant.
Genome position (GRCh38, 1-based): chr5:13,793,961, G>C on the plus strand (C>G on the coding strand, the complement: DNAH5 is on the minus strand). VCF-style: chr5-13793961-G-C. GRCh37 (hg19) VCF-style: chr5-13794070-G-C.
Other names: short protein forms P2662R.
Identifiers: ClinVar variation 640838 (VCV000640838.4), dbSNP rs981622980, ClinGen allele CA113962414.
Genomic context (GRCh38, chr5:13,793,961, plus strand): 5'-TTAAAGAAATAAAATGCACAATAGAATGATGATACCTGATCTCCCCACTCATTGATTATT[G>C]GCATATTCACATCATCAATAAAAACAGTCATCTTCTTTCCCGCAGGAGGGCCATATGTTG-3'
Protein context (NP_001360.1, residues 2652-2672): MTVFIDDVNM[Pro2662Arg]IINEWGDQVT